The following is an entry in ClinVar:

ClinVar aggregate classification (germline): Uncertain significance. Review status: criteria provided, multiple submitters, no conflicts (2 of 4 stars). 2 submissions from 2 submitters: Uncertain significance (2). Last evaluated 2026-07-07.

Conditions:
Oligodontia-cancer predisposition syndrome. Also called: TOOTH AGENESIS-COLORECTAL CANCER SYNDROME. Identifiers: Orphanet 300576, MedGen C1837750, MONDO:0012075, OMIM 608615. Disease mechanism: loss of function.
Hereditary cancer-predisposing syndrome. Also called: Tumor predisposition; Hereditary neoplastic syndrome; Hereditary Cancer Syndrome; Neoplastic Syndromes, Hereditary. Identifiers: Orphanet 140162, MedGen C0027672, MeSH D009386, MONDO:0015356.

Submissions (2):

Ambry Genetics
Classification: Uncertain significance for Hereditary cancer-predisposing syndrome. Last evaluated: 2026-07-07. Review status: criteria provided, single submitter. Criteria: Ambry Variant Classification Scheme 2023. Collection method: clinical testing. Allele origin: germline.
Comment: The p.Q629H variant (also known as c.1887G>C), located in coding exon 6 of the AXIN2 gene, results from a G to C substitution at nucleotide position 1887. The glutamine at codon 629 is replaced by histidine, an amino acid with highly similar properties. This amino acid position is conserved. In addition, this alteration is predicted to be tolerated by in silico analysis. Based on the available evidence, the clinical significance of this variant remains unclear.

Labcorp Genetics (formerly Invitae), Labcorp
Classification: Uncertain significance for Oligodontia-cancer predisposition syndrome. Last evaluated: 2024-12-29. Review status: criteria provided, single submitter. Criteria: Invitae Variant Classification Sherloc (09022015). Collection method: clinical testing. Allele origin: germline.
Comment: This sequence change replaces glutamine, which is neutral and polar, with histidine, which is basic and polar, at codon 629 of the AXIN2 protein (p.Gln629His). This variant is not present in population databases (gnomAD no frequency). This variant has not been reported in the literature in individuals affected with AXIN2-related conditions. Invitae Evidence Modeling of protein sequence and biophysical properties (such as structural, functional, and spatial information, amino acid conservation, physicochemical variation, residue mobility, and thermodynamic stability) indicates that this missense variant is expected to disrupt AXIN2 protein function with a positive predictive value of 80%. In summary, the available evidence is currently insufficient to determine the role of this variant in disease. Therefore, it has been classified as a Variant of Uncertain Significance.

NM_004655.4(AXIN2):c.1887G>C (p.Gln629His)

Gene: AXIN2 (axin 2; minus strand). Cytogenetic location: 17q24.1.
Variant type: single nucleotide variant.
Coding change: c.1887G>C on transcript NM_004655.4 (MANE Select); coding-DNA position 1887, G replaced by C.
Protein change: p.Gln629His; replaces glutamine 629 with histidine.
Molecular consequence: missense variant. On other transcripts: intron variant (1).
Genome position (GRCh38, 1-based): chr17:65,536,889, C>G on the plus strand (G>C on the coding strand, the complement: AXIN2 is on the minus strand). VCF-style: chr17-65536889-C-G. GRCh37 (hg19) VCF-style: chr17-63533007-C-G.
Other names: c.1713-336G>C (NM_001363813.1); short protein forms Q629H.
Identifiers: ClinVar variation 3667101 (VCV003667101.3).